The following is an entry in ClinVar:

NM_000023.4(SGCA):c.186C>A (p.Tyr62Ter)

Gene: SGCA (sarcoglycan alpha; plus strand). Cytogenetic location: 17q21.33.
Variant type: single nucleotide variant.
Coding change: c.186C>A on transcript NM_000023.4 (MANE Select); coding-DNA position 186, C replaced by A.
Protein change: p.Tyr62Ter; replaces tyrosine 62 with a stop codon.
Molecular consequence: nonsense. On other transcripts: non-coding transcript variant (1).
Genome position (GRCh38, 1-based): chr17:50,167,610, C>A. VCF-style: chr17-50167610-C-A. GRCh37 (hg19) VCF-style: chr17-48244971-C-A.
Other names: c.186C>A, p.Tyr62Ter (NM_001135697.3); short protein forms Y62*.
Identifiers: ClinVar variation 2583164 (VCV002583164.2), dbSNP rs766400853, ClinGen allele CA400177235.

ClinVar aggregate classification (germline): Pathogenic. Review status: criteria provided, single submitter (1 of 4 stars). 2 submissions from 2 submitters: Pathogenic (1). 1 of the submissions does not count toward it. Last evaluated 2025-01-14.

Conditions:
Autosomal recessive limb-girdle muscular dystrophy type 2D (LGMDR3). Also called: DUCHENNE-LIKE AUTOSOMAL RECESSIVE MUSCULAR DYSTROPHY, TYPE 2; MUSCULAR DYSTROPHY, LIMB-GIRDLE, AUTOSOMAL RECESSIVE 3; ADHALINOPATHY, PRIMARY. Identifiers: Orphanet 62, MedGen C2936332, MONDO:0011968, OMIM 608099. Disease mechanism: Affects gamma-sarcoglycan and also disrupts the integrity of the entire sarcoglycan complex..

Submissions (2):

Myriad Genetics, Inc.
Classification: Pathogenic for Autosomal recessive limb-girdle muscular dystrophy type 2D. Last evaluated: 2025-01-14. Review status: criteria provided, single submitter. Criteria: Myriad Autosomal Dominant, Autosomal Recessive and X-Linked Classification Criteria (2023). Collection method: clinical testing. Allele origin: unknown.
Comment: NM_000023.2(SGCA):c.186C>A(Y62*) is expected to be pathogenic in the context of alpha-sarcoglycanopathy. This variant is predicted to lead to an abnormal or absent protein product due to the creation of a premature termination codon in SGCA, a gene where loss-of-function variants are known to be pathogenic. Please note: this variant was assessed in the context of healthy population screening.

Institute of Human Genetics, University of Wuerzburg
Classification: Likely pathogenic for Autosomal recessive limb-girdle muscular dystrophy type 2D. Review status: no assertion criteria provided. Collection method: clinical testing. Allele origin: unknown. Affected: yes. Observed: 1 variant allele. Not counted in ClinVar's aggregate classification.